The following is an entry in ClinVar:

ClinVar aggregate classification (germline): Conflicting classifications of pathogenicity. Review status: criteria provided, conflicting classifications (1 of 4 stars). 7 submissions from 7 submitters: Uncertain significance (1); Likely benign (5). 1 of the submissions does not count toward it. Last evaluated 2026-08-01.

Conditions:
FMN2-related disorder. Also called: FMN2-related condition.
Intellectual developmental disorder, autosomal recessive 47. Also called: Intellectual disability, autosomal recessive 47. Identifiers: Orphanet 88616, MedGen C4015444, MONDO:0014524, OMIM 616193.

Allele frequency attached by ClinVar (database versions not stated): 1000 Genomes Project 0.00140; 1000 Genomes Project 30x 0.00156; TOPMed 0.00301; gnomAD 0.00327 and 0.00336; ExAC 0.00337; ESP Exome Variant Server 0.00454; gnomAD exomes 0.00327.
gnomAD v4.1: 7,624 of 1,612,976 alleles (0.47%); highest among the groups gnomAD compares: Non-Finnish European, 0.57%; 25 homozygotes.

Submissions (7):

CeGaT Center for Human Genetics Tuebingen
Classification: Likely benign. Last evaluated: 2026-08-01. Review status: criteria provided, single submitter. Criteria: CeGaT Center For Human Genetics Tuebingen Variant Classification Criteria Version 2. Collection method: clinical testing. Allele origin: germline. Affected: yes. Observed: 40 variant alleles.
Comment: FMN2: BS2

Blueprint Genetics
Classification: Likely benign. Last evaluated: 2024-11-26. Review status: criteria provided, single submitter. Criteria: ACMG Guidelines, 2015. Collection method: clinical testing. Allele origin: germline.

Victorian Clinical Genetics Services, Murdoch Childrens Research Institute
Classification: Likely benign for Intellectual developmental disorder, autosomal recessive 47. Last evaluated: 2020-05-21. Review status: criteria provided, single submitter. Criteria: ACMG Guidelines, 2015. Collection method: clinical testing. Allele origin: germline. Inheritance: Autosomal recessive inheritance.
Comment: Based on the classification scheme VCGS_Germline_v1.1.1, this variant is classified as likely benign. Following criteria are met: 0102 - Loss-of-function is a known mechanism of disease for this gene. (N) 0106 - This gene is known to be associated with autosomal recessive disease. (N) 0200 - Variant is predicted to result in a missense amino acid change from lysine to threonine (exon1). (N) 0251 - Variant is heterozygous. (N) 0304 - Variant is present in gnomAD <0.01 for a recessive condition (906 heterozygotes, 3 homozygotes). (P) 0309 - An alternative amino acid change at the same position has been observed in gnomAD (5 heterozygotes, 0 homozygotes). (N) 0502 - Missense variant with conflicting in silico predictions. (N) 0604 - Variant is not located in an established domain, motif, hotspot or informative constraint region. (N) 0705 - No comparable variants have previous evidence for pathogenicity. (N) 0807 - Variant has not previously been reported in a clinical context. (N) 0905 - No segregation evidence has been identified for this variant. (N) 1007 - No published functional evidence has been identified for this variant. (N) 1208 - Inheritance information for this variant is not currently available. (N) Legend: (P) - Pathogenic, (N) - Neutral, (B) - Benign

Labcorp Genetics (formerly Invitae), Labcorp
Classification: Likely benign. Last evaluated: 2019-12-31. Review status: criteria provided, single submitter. Criteria: Invitae Variant Classification Sherloc (09022015). Collection method: clinical testing. Allele origin: germline.

Genetic Services Laboratory, University of Chicago
Classification: Likely benign. Last evaluated: 2019-03-28. Review status: criteria provided, single submitter. Criteria: ACMG Guidelines, 2015. Collection method: clinical testing. Allele origin: germline. Affected: no.

Center for Pediatric Genomic Medicine, Children's Mercy Hospital and Clinics
Classification: Uncertain significance. Last evaluated: 2017-09-11. Review status: criteria provided, single submitter. Criteria: ACMG Guidelines, 2015. Collection method: clinical testing. Allele origin: germline.

PreventionGenetics, part of Exact Sciences
Classification: Likely benign for FMN2-related condition. Last evaluated: 2022-03-28. Review status: no assertion criteria provided. Collection method: clinical testing. Allele origin: germline. Not counted in ClinVar's aggregate classification.
Comment: This variant is classified as likely benign based on ACMG/AMP sequence variant interpretation guidelines (Richards et al. 2015 PMID: 25741868, with internal and published modifications).

NM_020066.5(FMN2):c.1259A>C (p.Lys420Thr)

Gene: FMN2 (formin 2; plus strand). Cytogenetic location: 1q43.
Variant type: single nucleotide variant.
Coding change: c.1259A>C on transcript NM_020066.5 (MANE Select); coding-DNA position 1259, A replaced by C.
Protein change: p.Lys420Thr; replaces lysine 420 with threonine.
Molecular consequence: missense variant.
Genome position (GRCh38, 1-based): chr1:240,093,368, A>C. VCF-style: chr1-240093368-A-C. GRCh37 (hg19) VCF-style: chr1-240256668-A-C.
Other names: c.1259A>C, p.Lys420Thr (NM_001305424.2, NM_001348094.2); short protein forms K420T.
Identifiers: ClinVar variation 435219 (VCV000435219.57), dbSNP rs146681532, ClinGen allele CA1476289.